The following is an entry in ClinVar:

ClinVar aggregate classification (germline): Uncertain significance (1 of 4 stars; one submission).

Submission:

Women's Health and Genetics/Laboratory Corporation of America, LabCorp
Classification: Uncertain significance. Last evaluated: 2026-02-24. Review status: criteria provided, single submitter. Criteria: LabCorp Variant Classification Summary - May 2015. Collection method: clinical testing. Allele origin: germline.
Comment: Variant summary: GP1BB c.*14G>A is located in the untranslated mRNA region downstream of the termination codon. The variant was absent in 145870 control chromosomes. The available data on variant occurrences in the general population are insufficient to allow any conclusion about variant significance. To our knowledge, no occurrence of c.*14G>A in individuals affected with GP1BB-related conditions and no experimental evidence demonstrating its impact on protein function have been reported. No submitters have cited clinical-significance assessments for this variant to ClinVar. Based on the evidence outlined above, the variant was classified as uncertain significance.

NM_000407.5(GP1BB):c.*14G>A

Genes: GP1BB (glycoprotein Ib platelet subunit beta; plus strand), SEPT5-GP1BB (SEPT5-GP1BB readthrough; plus strand). Cytogenetic location: 22q11.21.
Variant type: single nucleotide variant.
Coding change: c.*14G>A on transcript NM_000407.5 (MANE Select); 14 bases downstream of the stop codon, G replaced by A.
Molecular consequence: 3 prime UTR variant. On other transcripts: non-coding transcript variant (2).
Genome position (GRCh38, 1-based): chr22:19,724,478, G>A. VCF-style: chr22-19724478-G-A. GRCh37 (hg19) VCF-style: chr22-19712001-G-A.
Identifiers: ClinVar variation 4848150 (VCV004848150.1).